The following is an entry in ClinVar:

NM_198253.3(TERT):c.499G>T (p.Ala167Ser)

Gene: TERT (telomerase reverse transcriptase; minus strand). Cytogenetic location: 5p15.33.
Variant type: single nucleotide variant.
Coding change: c.499G>T on transcript NM_198253.3 (MANE Select); coding-DNA position 499, G replaced by T.
Protein change: p.Ala167Ser; replaces alanine 167 with serine.
Molecular consequence: missense variant. On other transcripts: non-coding transcript variant (2).
Genome position (GRCh38, 1-based): chr5:1,294,387, C>A on the plus strand (G>T on the coding strand, the complement: TERT is on the minus strand). VCF-style: chr5-1294387-C-A. GRCh37 (hg19) VCF-style: chr5-1294502-C-A.
Other names: c.499G>T, p.Ala167Ser (NM_001193376.3); short protein forms A167S.
Identifiers: ClinVar variation 4783680 (VCV004783680.1).

ClinVar aggregate classification (germline): Uncertain significance (1 of 4 stars; one submission).

Conditions:
Dyskeratosis congenita, autosomal dominant 2. Identifiers: MedGen C3151443, MONDO:0013521, OMIM 613989.
Idiopathic Pulmonary Fibrosis. Also called: Idiopathic fibrosing alveolitis, chronic form; idiopathic fibrosing alveolitis. Identifiers: Orphanet 2032, MedGen C1800706, MeSH D054990, MONDO:0800504.

Submission:

Labcorp Genetics (formerly Invitae), Labcorp
Classification: Uncertain significance for Dyskeratosis congenita, autosomal dominant 2; Idiopathic Pulmonary Fibrosis. Last evaluated: 2025-08-10. Review status: criteria provided, single submitter. Criteria: Invitae Variant Classification Sherloc (09022015). Collection method: clinical testing. Allele origin: germline.
Comment: This sequence change replaces alanine, which is neutral and non-polar, with serine, which is neutral and polar, at codon 167 of the TERT protein (p.Ala167Ser). This variant is not present in population databases (gnomAD no frequency). This variant has not been reported in the literature in individuals affected with TERT-related conditions. Invitae Evidence Modeling of protein sequence and biophysical properties (such as structural, functional, and spatial information, amino acid conservation, physicochemical variation, residue mobility, and thermodynamic stability) indicates that this missense variant is expected to disrupt TERT protein function with a positive predictive value of 95%. In summary, the available evidence is currently insufficient to determine the role of this variant in disease. Therefore, it has been classified as a Variant of Uncertain Significance.